The following is an entry in ClinVar:

ClinVar aggregate classification (germline): Likely benign. Review status: criteria provided, multiple submitters, no conflicts (2 of 4 stars). 3 submissions from 3 submitters: Likely benign (3). Last evaluated 2026-01-21.

Allele frequency attached by ClinVar (database versions not stated): ESP Exome Variant Server 0.00046; gnomAD 0.00067 and 0.00069; TOPMed 0.00068; 1000 Genomes Project 0.00080; 1000 Genomes Project 30x 0.00109.
gnomAD v4.1: 2,131 of 1,613,074 alleles (0.13%); highest among the groups gnomAD compares: Non-Finnish European, 0.17%; 2 homozygotes.

Submissions (3):

Labcorp Genetics (formerly Invitae), Labcorp
Classification: Likely benign. Last evaluated: 2026-01-21. Review status: criteria provided, single submitter. Criteria: Invitae Variant Classification Sherloc (09022015). Collection method: clinical testing. Allele origin: germline.

Blueprint Genetics
Classification: Likely benign. Last evaluated: 2024-10-23. Review status: criteria provided, single submitter. Criteria: ACMG Guidelines, 2015. Collection method: clinical testing. Allele origin: germline.

CeGaT Center for Human Genetics Tuebingen
Classification: Likely benign. Last evaluated: 2023-01-01. Review status: criteria provided, single submitter. Criteria: CeGaT Center For Human Genetics Tuebingen Variant Classification Criteria Version 2. Collection method: clinical testing. Allele origin: germline. Affected: yes. Observed: 1 variant allele.
Comment: C8B: BP4, BP7

NM_000066.4(C8B):c.1716T>G (p.Pro572=)

Gene: C8B (complement C8 beta chain; minus strand). Cytogenetic location: 1p32.2.
Variant type: single nucleotide variant.
Coding change: c.1716T>G on transcript NM_000066.4 (MANE Select); coding-DNA position 1716, T replaced by G.
Protein change: p.Pro572=; no amino-acid change (proline 572 retained).
Molecular consequence: synonymous variant.
Genome position (GRCh38, 1-based): chr1:56,929,464, A>C on the plus strand (T>G on the coding strand, the complement: C8B is on the minus strand). VCF-style: chr1-56929464-A-C. GRCh37 (hg19) VCF-style: chr1-57395137-A-C.
Other names: c.1560T>G, p.Pro520= (NM_001278543.2); c.1530T>G, p.Pro510= (NM_001278544.2).
Identifiers: ClinVar variation 1131461 (VCV001131461.33), dbSNP rs149900569, ClinGen allele CA875539.